The following is an entry in ClinVar:

ClinVar aggregate classification (germline): Uncertain significance (1 of 4 stars; one submission).

Allele frequency attached by ClinVar (database versions not stated): gnomAD 0.00001; gnomAD exomes 0.00002; TOPMed 0.00003; ExAC 0.00011.
gnomAD v4.1: 16 of 1,497,984 alleles (0.0011%); highest among the groups gnomAD compares: Non-Finnish European, 0.0013%; no homozygotes.

Submission:

Labcorp Genetics (formerly Invitae), Labcorp
Classification: Uncertain significance. Last evaluated: 2022-11-30. Review status: criteria provided, single submitter. Criteria: Invitae Variant Classification Sherloc (09022015). Collection method: clinical testing. Allele origin: germline.
Comment: In summary, the available evidence is currently insufficient to determine the role of this variant in disease. Therefore, it has been classified as a Variant of Uncertain Significance. Algorithms developed to predict the effect of missense changes on protein structure and function (SIFT, PolyPhen-2, Align-GVGD) all suggest that this variant is likely to be disruptive. ClinVar contains an entry for this variant (Variation ID: 1520324). This variant has not been reported in the literature in individuals affected with FSCN2-related conditions. The frequency data for this variant in the population databases is considered unreliable, as metrics indicate poor data quality at this position in the gnomAD database. This sequence change replaces glycine, which is neutral and non-polar, with aspartic acid, which is acidic and polar, at codon 499 of the FSCN2 protein (p.Gly499Asp).

NM_012418.4(FSCN2):c.1424G>A (p.Gly475Asp)

Gene: FSCN2 (fascin actin-bundling protein 2, retinal; plus strand). Cytogenetic location: 17q25.3.
Variant type: single nucleotide variant.
Coding change: c.1424G>A on transcript NM_012418.4 (MANE Select); coding-DNA position 1424, G replaced by A.
Protein change: p.Gly475Asp; replaces glycine 475 with aspartic acid.
Molecular consequence: missense variant.
Genome position (GRCh38, 1-based): chr17:81,537,025, G>A. VCF-style: chr17-81537025-G-A. GRCh37 (hg19) VCF-style: chr17-79504051-G-A.
Other names: c.1496G>A, p.Gly499Asp (NM_001077182.3); short protein forms G475D, G499D.
Identifiers: ClinVar variation 1520324 (VCV001520324.8), dbSNP rs766559907, ClinGen allele CA8837143.